The following is an entry in ClinVar:

NM_015570.4(AUTS2):c.2143G>A (p.Ala715Thr)

Gene: AUTS2 (activator of transcription and developmental regulator AUTS2; plus strand). Cytogenetic location: 7q11.22.
Variant type: single nucleotide variant.
Coding change: c.2143G>A on transcript NM_015570.4 (MANE Select); coding-DNA position 2143, G replaced by A.
Protein change: p.Ala715Thr; replaces alanine 715 with threonine.
Molecular consequence: missense variant.
Genome position (GRCh38, 1-based): chr7:70,781,753, G>A. VCF-style: chr7-70781753-G-A. GRCh37 (hg19) VCF-style: chr7-70246739-G-A.
Other names: c.2071G>A, p.Ala691Thr (NM_001127231.3); short protein forms A715T, A691T.
Identifiers: ClinVar variation 3021125 (VCV003021125.4), dbSNP rs747709136, ClinGen allele CA160006454.

ClinVar aggregate classification (germline): Uncertain significance. Review status: criteria provided, multiple submitters, no conflicts (2 of 4 stars). 2 submissions from 2 submitters: Uncertain significance (2). Last evaluated 2024-12-18.

Conditions:
Autism spectrum disorder due to AUTS2 deficiency (MRD26). Also called: INTELLECTUAL DEVELOPMENTAL DISORDER, AUTOSOMAL DOMINANT 26. Identifiers: Orphanet 352490, MedGen C4014435, MONDO:0014361, OMIM 615834.

Allele frequency attached by ClinVar (database versions not stated): gnomAD 0.00001; TOPMed 0.00001.
gnomAD v4.1: 26 of 1,613,726 alleles (0.0016%); highest among the groups gnomAD compares: Middle Eastern, 0.016%; no homozygotes.

Submissions (2):

Revvity Omics, Revvity
Classification: Uncertain significance for Autism spectrum disorder due to AUTS2 deficiency. Last evaluated: 2024-12-18. Review status: criteria provided, single submitter. Criteria: ACMG Guidelines, 2015. Collection method: clinical testing. Allele origin: germline.

Labcorp Genetics (formerly Invitae), Labcorp
Classification: Uncertain significance. Last evaluated: 2023-03-20. Review status: criteria provided, single submitter. Criteria: Invitae Variant Classification Sherloc (09022015). Collection method: clinical testing. Allele origin: germline.
Comment: This sequence change replaces alanine, which is neutral and non-polar, with threonine, which is neutral and polar, at codon 715 of the AUTS2 protein (p.Ala715Thr). This variant is present in population databases (rs747709136, gnomAD 0.003%). This variant has not been reported in the literature in individuals affected with AUTS2-related conditions. Advanced modeling of protein sequence and biophysical properties (such as structural, functional, and spatial information, amino acid conservation, physicochemical variation, residue mobility, and thermodynamic stability) performed at Invitae indicates that this missense variant is not expected to disrupt AUTS2 protein function. In summary, the available evidence is currently insufficient to determine the role of this variant in disease. Therefore, it has been classified as a Variant of Uncertain Significance.